The following is an entry in ClinVar:

ClinVar aggregate classification (germline): Uncertain significance (1 of 4 stars; one submission).

Allele frequency attached by ClinVar (database versions not stated): ExAC 0.00001.
gnomAD v4.1: 3 of 1,613,830 alleles (0.00019%); highest among the groups gnomAD compares: Non-Finnish European, 0.00025%; no homozygotes.

Submission:

Labcorp Genetics (formerly Invitae), Labcorp
Classification: Uncertain significance. Last evaluated: 2022-03-08. Review status: criteria provided, single submitter. Criteria: Invitae Variant Classification Sherloc (09022015). Collection method: clinical testing. Allele origin: germline.
Comment: In summary, the available evidence is currently insufficient to determine the role of this variant in disease. Therefore, it has been classified as a Variant of Uncertain Significance. Algorithms developed to predict the effect of missense changes on protein structure and function output the following: SIFT: "Tolerated"; PolyPhen-2: "Benign"; Align-GVGD: "Class C0". The asparagine amino acid residue is found in multiple mammalian species, which suggests that this missense change does not adversely affect protein function. This variant has not been reported in the literature in individuals affected with A2ML1-related conditions. This variant is present in population databases (rs765127537, gnomAD 0.0009%). This sequence change replaces aspartic acid, which is acidic and polar, with asparagine, which is neutral and polar, at codon 302 of the A2ML1 protein (p.Asp302Asn).

NM_144670.6(A2ML1):c.904G>A (p.Asp302Asn)

Gene: A2ML1 (alpha-2-macroglobulin like 1; plus strand). Cytogenetic location: 12p13.31.
Variant type: single nucleotide variant.
Coding change: c.904G>A on transcript NM_144670.6 (MANE Select); coding-DNA position 904, G replaced by A.
Protein change: p.Asp302Asn; replaces aspartic acid 302 with asparagine.
Molecular consequence: missense variant.
Genome position (GRCh38, 1-based): chr12:8,838,384, G>A. VCF-style: chr12-8838384-G-A. GRCh37 (hg19) VCF-style: chr12-8990980-G-A.
Other names: short protein forms D302N.
Identifiers: ClinVar variation 2420284 (VCV002420284.6), dbSNP rs765127537, ClinGen allele CA6435473.